The following is an entry in ClinVar:

ClinVar aggregate classification (germline): Likely pathogenic (1 of 4 stars; one submission).

Submission:

GeneDx
Classification: Likely pathogenic. Last evaluated: 2024-05-08. Review status: criteria provided, single submitter. Criteria: GeneDx Variant Classification Process June 2021. Collection method: clinical testing. Allele origin: germline. Affected: yes.
Comment: Nonsense variant predicted to result in protein truncation, as the last 37 amino acids are lost, and other loss-of-function variants have been reported downstream in HGMD; Not observed at significant frequency in large population cohorts (gnomAD); Has not been previously published as pathogenic or benign to our knowledge

NM_002700.3(POU4F3):c.904G>T (p.Glu302Ter)

Genes: POU4F3 (POU class 4 homeobox 3; plus strand), LOC127814297 (RBM27-POU4F3; plus strand). Cytogenetic location: 5q32.
Variant type: single nucleotide variant.
Coding change: c.904G>T on transcript NM_002700.3 (MANE Select); coding-DNA position 904, G replaced by T.
Protein change: p.Glu302Ter; replaces glutamic acid 302 with a stop codon.
Molecular consequence: nonsense. On other transcripts: 3 prime UTR variant (1).
Genome position (GRCh38, 1-based): chr5:146,340,331, G>T. VCF-style: chr5-146340331-G-T. GRCh37 (hg19) VCF-style: chr5-145719894-G-T.
Other names: c.*773G>T (NM_001414499.1); short protein forms E302*.
Identifiers: ClinVar variation 3375747 (VCV003375747.1).